The following is an entry in ClinVar:

NM_014956.5(CEP164):c.2924C>T (p.Ala975Val)

Gene: CEP164 (centrosomal protein 164; plus strand). Cytogenetic location: 11q23.3.
Variant type: single nucleotide variant.
Coding change: c.2924C>T on transcript NM_014956.5 (MANE Select); coding-DNA position 2924, C replaced by T.
Protein change: p.Ala975Val; replaces alanine 975 with valine.
Molecular consequence: missense variant.
Genome position (GRCh38, 1-based): chr11:117,395,557, C>T. VCF-style: chr11-117395557-C-T. GRCh37 (hg19) VCF-style: chr11-117266273-C-T.
Other names: c.2933C>T, p.Ala978Val (NM_001271933.2); short protein forms A975V, A978V.
Identifiers: ClinVar variation 1362061 (VCV001362061.8), dbSNP rs778872289, ClinGen allele CA6295288.

ClinVar aggregate classification (germline): Uncertain significance (1 of 4 stars; one submission).

Conditions:
Nephronophthisis 15 (NPHP15). Identifiers: Orphanet 3156, MedGen C3541853, MONDO:0013917, OMIM 614845.

Allele frequency attached by ClinVar (database versions not stated): gnomAD exomes 0.00001 and 0.00002; ExAC 0.00004.
gnomAD v4.1: 6 of 1,610,574 alleles (0.00037%); highest among the groups gnomAD compares: Admixed American, 0.01%; no homozygotes.

Submission:

Labcorp Genetics (formerly Invitae), Labcorp
Classification: Uncertain significance for Nephronophthisis 15. Last evaluated: 2022-10-24. Review status: criteria provided, single submitter. Criteria: Invitae Variant Classification Sherloc (09022015). Collection method: clinical testing. Allele origin: germline.
Comment: In summary, the available evidence is currently insufficient to determine the role of this variant in disease. Therefore, it has been classified as a Variant of Uncertain Significance. Advanced modeling of protein sequence and biophysical properties (such as structural, functional, and spatial information, amino acid conservation, physicochemical variation, residue mobility, and thermodynamic stability) performed at Invitae indicates that this missense variant is not expected to disrupt CEP164 protein function. ClinVar contains an entry for this variant (Variation ID: 1362061). This variant has not been reported in the literature in individuals affected with CEP164-related conditions. This variant is present in population databases (rs778872289, gnomAD 0.02%). This sequence change replaces alanine, which is neutral and non-polar, with valine, which is neutral and non-polar, at codon 975 of the CEP164 protein (p.Ala975Val).